The following is an entry in ClinVar:

ClinVar aggregate classification (germline): Likely benign. Review status: criteria provided, multiple submitters, no conflicts (2 of 4 stars). 3 submissions from 3 submitters: Likely benign (3). Last evaluated 2026-04-01.

Conditions:
Fanconi anemia complementation group Q. Identifiers: Orphanet 84, MedGen C3808988, MONDO:0014108, OMIM 615272.
Xeroderma pigmentosum, group F (XPF). Also called: XERODERMA PIGMENTOSUM, COMPLEMENTATION GROUP F; ERCC4-Related Xeroderma Pigmentosum; XERODERMA PIGMENTOSUM VI; XP, GROUP F; XERODERMA PIGMENTOSUM, TYPE F; Xeroderma pigmentosum, type 6. Identifiers: MedGen C0268140, MONDO:0010215, OMIM 278760.
Cockayne syndrome. Identifiers: Orphanet 191, MedGen C0009207, MONDO:0016006.
XFE progeroid syndrome (XFEPS). Also called: XPF-ERCC1 PROGEROID SYNDROME. Identifiers: MedGen C1970416, MONDO:0012590, OMIM 610965.

gnomAD v4.1: 49 of 1,614,092 alleles (0.003%); highest among the groups gnomAD compares: Non-Finnish European, 0.004%; no homozygotes.

Submissions (3):

CeGaT Center for Human Genetics Tuebingen
Classification: Likely benign. Last evaluated: 2026-04-01. Review status: criteria provided, single submitter. Criteria: CeGaT Center For Human Genetics Tuebingen Variant Classification Criteria Version 2. Collection method: clinical testing. Allele origin: germline. Affected: yes. Observed: 1 variant allele.
Comment: ERCC4: BP4, BP7

Labcorp Genetics (formerly Invitae), Labcorp
Classification: Likely benign for Fanconi anemia complementation group Q; Xeroderma pigmentosum, group F; Cockayne syndrome. Last evaluated: 2026-01-19. Review status: criteria provided, single submitter. Criteria: Invitae Variant Classification Sherloc (09022015). Collection method: clinical testing. Allele origin: germline.

Fulgent Genetics
Classification: Likely benign for Xeroderma pigmentosum, group F; XFE progeroid syndrome; Fanconi anemia complementation group Q. Last evaluated: 2021-07-22. Review status: criteria provided, single submitter. Criteria: ACMG Guidelines, 2015. Collection method: clinical testing. Allele origin: unknown.

NM_005236.3(ERCC4):c.2124C>T (p.Pro708=)

Gene: ERCC4 (ERCC excision repair 4, endonuclease catalytic subunit; plus strand). Cytogenetic location: 16p13.12.
Variant type: single nucleotide variant.
Coding change: c.2124C>T on transcript NM_005236.3 (MANE Select); coding-DNA position 2124, C replaced by T.
Protein change: p.Pro708=; no amino-acid change (proline 708 retained).
Molecular consequence: synonymous variant.
Genome position (GRCh38, 1-based): chr16:13,947,720, C>T. VCF-style: chr16-13947720-C-T. GRCh37 (hg19) VCF-style: chr16-14041577-C-T.
Identifiers: ClinVar variation 1580206 (VCV001580206.11), dbSNP rs376391395, ClinGen allele CA7910683.
Genomic context (GRCh38, chr16:13,947,720, plus strand): 5'-GCGTGAATTTCGAAGTGAGCTTCCATCTCTGATCCATCGTCGGGGCATTGACATTGAACC[C>T]GTGACTTTAGAGGTTGGAGATTACATCCTCACTCCAGAAATGTGCGTGGAGCGCAAGAGT-3'
Protein context (NP_005227.1, residues 698-718): LIHRRGIDIE[Pro708=]VTLEVGDYIL